The following is an entry in ClinVar:

NM_025099.6(CTC1):c.1025A>G (p.Asp342Gly)

Gene: CTC1 (CST telomere replication complex component 1; minus strand). Cytogenetic location: 17p13.1.
Variant type: single nucleotide variant.
Coding change: c.1025A>G on transcript NM_025099.6 (MANE Select); coding-DNA position 1025, A replaced by G.
Protein change: p.Asp342Gly; replaces aspartic acid 342 with glycine.
Molecular consequence: missense variant. On other transcripts: non-coding transcript variant (1).
Genome position (GRCh38, 1-based): chr17:8,236,110, T>C on the plus strand (A>G on the coding strand, the complement: CTC1 is on the minus strand). VCF-style: chr17-8236110-T-C. GRCh37 (hg19) VCF-style: chr17-8139428-T-C.
Other names: short protein forms D342G.
Identifiers: ClinVar variation 326082 (VCV000326082.22), dbSNP rs78390421, ClinGen allele CA8372499.
Genomic context (GRCh38, chr17:8,236,110, plus strand): 5'-GTGCTCACCGAATAGGATAGGAGTCTAGAATACCGGACAAGACTTTCTGGATCCTTCTTG[T>C]CCTCCGAGTTGCTGGGCATGGGGAGTGGCTTGGGGTCAGCCTCTAAGAGGGGTCCTTCCA-3'
Protein context (NP_079375.3, residues 332-352): KPLPMPSNSE[Asp342Gly]KKDPESLVRY

ClinVar aggregate classification (germline): Benign/Likely benign. Review status: criteria provided, multiple submitters, no conflicts (2 of 4 stars). 6 submissions from 6 submitters: Benign (2); Likely benign (4). Last evaluated 2026-02-04.

Conditions:
Dyskeratosis congenita. Identifiers: Orphanet 1775, MedGen C0265965, MONDO:0015780.
Cerebroretinal microangiopathy with calcifications and cysts 1 (CRMCC1). Identifiers: Orphanet 313838, MedGen C4552029, MONDO:0024564, OMIM 612199.

Allele frequency attached by ClinVar (database versions not stated): gnomAD exomes 0.00137 and 0.00323; ExAC 0.00397; ESP Exome Variant Server 0.01345; gnomAD 0.01366 and 0.01469; TOPMed 0.01550; 1000 Genomes Project 0.01577; 1000 Genomes Project 30x 0.01733.
gnomAD v4.1: 4,113 of 1,614,216 alleles (0.25%); highest among the groups gnomAD compares: African/African-American, 4.9%; 104 homozygotes.

Submissions (6):

Labcorp Genetics (formerly Invitae), Labcorp
Classification: Benign for Dyskeratosis congenita. Last evaluated: 2026-02-04. Review status: criteria provided, single submitter. Criteria: Invitae Variant Classification Sherloc (09022015). Collection method: clinical testing. Allele origin: germline.

ARUP Laboratories, Molecular Genetics and Genomics, ARUP Laboratories
Classification: Likely benign for Cerebroretinal microangiopathy with calcifications and cysts 1. Last evaluated: 2024-07-19. Review status: criteria provided, single submitter. Criteria: ARUP Molecular Germline Variant Investigation Process 2024. Collection method: clinical testing. Allele origin: germline.

GeneDx
Classification: Likely benign. Last evaluated: 2022-03-02. Review status: criteria provided, single submitter. Criteria: GeneDx Variant Classification Process June 2021. Collection method: clinical testing. Allele origin: germline. Affected: yes.

Genome-Nilou Lab
Classification: Benign for Cerebroretinal microangiopathy with calcifications and cysts 1. Last evaluated: 2021-07-15. Review status: criteria provided, single submitter. Criteria: ACMG Guidelines, 2015. Collection method: clinical testing. Allele origin: germline. Affected: no.

Illumina Laboratory Services, Illumina
Classification: Likely benign for Dyskeratosis congenita. Last evaluated: 2017-04-27. Review status: criteria provided, single submitter. Criteria: ICSL Variant Classification Criteria 13 December 2019. Collection method: clinical testing. Allele origin: germline.
Comment: This variant was observed as part of a predisposition screen in an ostensibly healthy population. A literature search was performed for the gene, cDNA change, and amino acid change (where applicable). No publications were found based on this search. Allele frequency data from public databases allowed determination this variant is unlikely to cause disease. Therefore, this variant is classified as likely benign.

Breakthrough Genomics
Classification: Likely benign. Review status: criteria provided, single submitter. Criteria: ACMG Guidelines, 2015. Collection method: not provided. Allele origin: germline. Inheritance: Autosomal recessive inheritance. Affected: yes.